The following is an entry in ClinVar:

ClinVar aggregate classification (germline): Uncertain significance. Review status: criteria provided, multiple submitters, no conflicts (2 of 4 stars). 3 submissions from 3 submitters: Uncertain significance (3). Last evaluated 2025-01-09.

Conditions:
Inborn genetic diseases. Identifiers: MedGen C0950123, MeSH D030342.

Allele frequency attached by ClinVar (database versions not stated): gnomAD exomes 0.00001; TOPMed 0.00001.
gnomAD v4.1: 6 of 1,610,936 alleles (0.00037%); highest among the groups gnomAD compares: Admixed American, 0.0067%; no homozygotes.

Submissions (3):

Ambry Genetics
Classification: Uncertain significance for Inborn genetic diseases. Last evaluated: 2025-01-09. Review status: criteria provided, single submitter. Criteria: Ambry Variant Classification Scheme 2023. Collection method: clinical testing. Allele origin: germline.
Comment: The p.S339N variant (also known as c.1016G>A), located in coding exon 9 of the PAX5 gene, results from a G to A substitution at nucleotide position 1016. The serine at codon 339 is replaced by asparagine, an amino acid with highly similar properties. This amino acid position is conserved. In addition, this alteration is predicted to be tolerated by in silico analysis. Based on the available evidence, the clinical significance of this variant remains unclear.

Blueprint Genetics
Classification: Uncertain significance. Last evaluated: 2024-10-16. Review status: criteria provided, single submitter. Criteria: ACMG Guidelines, 2015. Collection method: clinical testing. Allele origin: germline.

Revvity Omics, Revvity
Classification: Uncertain significance. Last evaluated: 2022-04-06. Review status: criteria provided, single submitter. Criteria: ACMG Guidelines, 2015. Collection method: clinical testing. Allele origin: germline.

NM_016734.3(PAX5):c.1016G>A (p.Ser339Asn)

Gene: PAX5 (paired box 5; minus strand). Cytogenetic location: 9p13.2.
Variant type: single nucleotide variant.
Coding change: c.1016G>A on transcript NM_016734.3 (MANE Select); coding-DNA position 1016, G replaced by A.
Protein change: p.Ser339Asn; replaces serine 339 with asparagine.
Molecular consequence: missense variant. On other transcripts: non-coding transcript variant (2), intron variant (5).
Genome position (GRCh38, 1-based): chr9:36,846,926, C>T on the plus strand (G>A on the coding strand, the complement: PAX5 is on the minus strand). VCF-style: chr9-36846926-C-T. GRCh37 (hg19) VCF-style: chr9-36846923-C-T.
Other names: c.914G>A, p.Ser305Asn (NM_001280547.2); c.784G>A, p.Val262Met (NM_001280549.2); c.887G>A, p.Ser296Asn (NM_001280554.2); c.716G>A, p.Ser239Asn (NM_001280555.2); c.692G>A, p.Ser231Asn (NM_001280556.2); c.587-6290G>A (NM_001280551.2); c.884-6290G>A (NM_001280553.2); c.781-6290G>A (NM_001280550.2); and 3 more; short protein forms S231N, S239N, S296N, S305N, S339N, V262M.
Identifiers: ClinVar variation 2689657 (VCV002689657.4), dbSNP rs1389188260, ClinGen allele CA373486380.